The following is an entry in ClinVar:

ClinVar aggregate classification (germline): Uncertain significance (1 of 4 stars; one submission).

Allele frequency attached by ClinVar (database versions not stated): TOPMed below 0.00001; ExAC 0.00001; gnomAD exomes 0.00001.
gnomAD v4.1: 3 of 1,614,126 alleles (0.00019%); highest among the groups gnomAD compares: Admixed American, 0.005%; no homozygotes.

Submission:

Labcorp Genetics (formerly Invitae), Labcorp
Classification: Uncertain significance. Last evaluated: 2024-03-01. Review status: criteria provided, single submitter. Criteria: Invitae Variant Classification Sherloc (09022015). Collection method: clinical testing. Allele origin: germline.
Comment: This sequence change replaces proline, which is neutral and non-polar, with arginine, which is basic and polar, at codon 3666 of the HMCN1 protein (p.Pro3666Arg). This variant is present in population databases (rs757296431, gnomAD 0.009%). This variant has not been reported in the literature in individuals affected with HMCN1-related conditions. ClinVar contains an entry for this variant (Variation ID: 1359481). An algorithm developed to predict the effect of missense changes on protein structure and function (PolyPhen-2) suggests that this variant is likely to be disruptive. In summary, the available evidence is currently insufficient to determine the role of this variant in disease. Therefore, it has been classified as a Variant of Uncertain Significance.

NM_031935.3(HMCN1):c.10997C>G (p.Pro3666Arg)

Gene: HMCN1 (hemicentin 1; plus strand). Cytogenetic location: 1q31.1.
Variant type: single nucleotide variant.
Coding change: c.10997C>G on transcript NM_031935.3 (MANE Select); coding-DNA position 10997, C replaced by G.
Protein change: p.Pro3666Arg; replaces proline 3666 with arginine.
Molecular consequence: missense variant.
Genome position (GRCh38, 1-based): chr1:186,112,819, C>G. VCF-style: chr1-186112819-C-G. GRCh37 (hg19) VCF-style: chr1-186081951-C-G.
Other names: short protein forms P3666R.
Identifiers: ClinVar variation 1359481 (VCV001359481.6), dbSNP rs757296431, ClinGen allele CA1293905.
Genomic context (GRCh38, chr1:186,112,819, plus strand): 5'-TATTCTCTTTTCCTGACATTTTAACGGCAAATTTCTTTACTTGCTGAATCCAGGCAACAC[C>G]TCGAGTGCGAATCCTATCTGGAGGGAGATACTTGCAAATCAACAATGCTGACCTAGGTGA-3'
Protein context (NP_114141.2, residues 3656-3676): LRNGERLQAT[Pro3666Arg]RVRILSGGRY